The following is an entry in ClinVar:

NM_003922.4(HERC1):c.3166G>A (p.Val1056Ile)

Gene: HERC1 (HECT and RLD domain containing E3 ubiquitin protein ligase family member 1; minus strand). Cytogenetic location: 15q22.31.
Variant type: single nucleotide variant.
Coding change: c.3166G>A on transcript NM_003922.4 (MANE Select); coding-DNA position 3166, G replaced by A.
Protein change: p.Val1056Ile; replaces valine 1056 with isoleucine.
Molecular consequence: missense variant.
Genome position (GRCh38, 1-based): chr15:63,727,827, C>T on the plus strand (G>A on the coding strand, the complement: HERC1 is on the minus strand). VCF-style: chr15-63727827-C-T. GRCh37 (hg19) VCF-style: chr15-64020026-C-T.
Other names: short protein forms V1056I.
Identifiers: ClinVar variation 4883128 (VCV004883128.2).

ClinVar aggregate classification (germline): Uncertain significance (1 of 4 stars; one submission).

Conditions:
Macrocephaly, dysmorphic facies, and psychomotor retardation (MDFPMR). Identifiers: Orphanet 457359, MedGen C4310766, MONDO:0014863, OMIM 617011.

gnomAD v4.1: 32 of 1,612,192 alleles (0.002%); highest among the groups gnomAD compares: East Asian, 0.02%; no homozygotes.

Submission:

Dasa
Classification: Uncertain significance for Macrocephaly, dysmorphic facies, and psychomotor retardation. Last evaluated: 2025-12-21. Review status: criteria provided, single submitter. Criteria: DASA Assertion Criteria. Collection method: clinical testing. Allele origin: germline.
Comment: NM_003922.4(HERC1):c.3166G>A (p.Val1056Ile) is a missense variant that results in the substitution of valine with isoleucine. This variant is rare in population databases. Computational prediction algorithms are consistent with a benign effect. The currently available literature and clinical evidence are not sufficient to establish a definitive association between this variant and the reported condition. Therefore, this variant is classified as a variant of uncertain significance.